The following is an entry in ClinVar:

ClinVar aggregate classification (germline): Uncertain significance (1 of 4 stars; one submission).

gnomAD v4.1: 1 of 1,583,848 alleles (0.000063%); highest among the groups gnomAD compares: Admixed American, 0.0017%; no homozygotes.

Submission:

Labcorp Genetics (formerly Invitae), Labcorp
Classification: Uncertain significance. Last evaluated: 2025-07-18. Review status: criteria provided, single submitter. Criteria: Invitae Variant Classification Sherloc (09022015). Collection method: clinical testing. Allele origin: germline.
Comment: This sequence change replaces arginine, which is basic and polar, with threonine, which is neutral and polar, at codon 509 of the GUF1 protein (p.Arg509Thr). This variant is not present in population databases (gnomAD no frequency). This variant has not been reported in the literature in individuals affected with GUF1-related conditions. Invitae Evidence Modeling of protein sequence and biophysical properties (such as structural, functional, and spatial information, amino acid conservation, physicochemical variation, residue mobility, and thermodynamic stability) indicates that this missense variant is not expected to disrupt GUF1 protein function with a negative predictive value of 80%. In summary, the available evidence is currently insufficient to determine the role of this variant in disease. Therefore, it has been classified as a Variant of Uncertain Significance.

NM_021927.3(GUF1):c.1526G>C (p.Arg509Thr)

Gene: GUF1 (GTP binding elongation factor GUF1; plus strand). Cytogenetic location: 4p12.
Variant type: single nucleotide variant.
Coding change: c.1526G>C on transcript NM_021927.3 (MANE Select); coding-DNA position 1526, G replaced by C.
Protein change: p.Arg509Thr; replaces arginine 509 with threonine.
Molecular consequence: missense variant.
Genome position (GRCh38, 1-based): chr4:44,691,712, G>C. VCF-style: chr4-44691712-G-C. GRCh37 (hg19) VCF-style: chr4-44693729-G-C.
Other names: c.554G>C, p.Arg185Thr (NM_001345867.2, NM_001345869.2); c.1526G>C, p.Arg509Thr (NM_001345868.2); short protein forms R509T, R185T.
Identifiers: ClinVar variation 4695926 (VCV004695926.1).